The following is an entry in ClinVar:

NM_173560.4(RFX6):c.2250C>T (p.Asn750=)

Gene: RFX6 (regulatory factor X6; plus strand). Cytogenetic location: 6q22.1.
Variant type: single nucleotide variant.
Coding change: c.2250C>T on transcript NM_173560.4 (MANE Select); coding-DNA position 2250, C replaced by T.
Protein change: p.Asn750=; no amino-acid change (asparagine 750 retained).
Molecular consequence: synonymous variant.
Genome position (GRCh38, 1-based): chr6:116,927,391, C>T. VCF-style: chr6-116927391-C-T. GRCh37 (hg19) VCF-style: chr6-117248554-C-T.
Identifiers: ClinVar variation 3706121 (VCV003706121.9).

ClinVar aggregate classification (germline): Likely benign. Review status: criteria provided, multiple submitters, no conflicts (2 of 4 stars). 2 submissions from 2 submitters: Likely benign (2). Last evaluated 2025-12-23.

gnomAD v4.1: 106 of 1,613,986 alleles (0.0066%); highest among the groups gnomAD compares: Admixed American, 0.01%; no homozygotes.

Submissions (2):

Labcorp Genetics (formerly Invitae), Labcorp
Classification: Likely benign. Last evaluated: 2025-12-23. Review status: criteria provided, single submitter. Criteria: Invitae Variant Classification Sherloc (09022015). Collection method: clinical testing. Allele origin: germline.

CeGaT Center for Human Genetics Tuebingen
Classification: Likely benign. Last evaluated: 2025-03-01. Review status: criteria provided, single submitter. Criteria: CeGaT Center For Human Genetics Tuebingen Variant Classification Criteria Version 2. Collection method: clinical testing. Allele origin: germline. Affected: yes. Observed: 1 variant allele.
Comment: RFX6: BP4, BP7